The following is an entry in ClinVar:

NM_001267550.2(TTN):c.105200T>C (p.Phe35067Ser)

Genes: TTN-AS1 (TTN antisense RNA 1; plus strand), TTN (titin; minus strand). Cytogenetic location: 2q31.2.
Variant type: single nucleotide variant.
Coding change: c.105200T>C on transcript NM_001267550.2 (MANE Select); coding-DNA position 105200, T replaced by C.
Protein change: p.Phe35067Ser; replaces phenylalanine 35067 with serine.
Molecular consequence: missense variant.
Genome position (GRCh38, 1-based): chr2:178,531,415, A>G on the plus strand (T>C on the coding strand, the complement: TTN is on the minus strand). VCF-style: chr2-178531415-A-G. GRCh37 (hg19) VCF-style: chr2-179396142-A-G.
Other names: c.100277T>C, p.Phe33426Ser (NM_001256850.1); c.78005T>C, p.Phe26002Ser (NM_003319.4); c.97496T>C, p.Phe32499Ser (NM_133378.4); c.78380T>C, p.Phe26127Ser (NM_133432.3); c.78581T>C, p.Phe26194Ser (NM_133437.4); short protein forms F33426S, F32499S, F26002S, F26127S, F26194S, F35067S.
Identifiers: ClinVar variation 2079826 (VCV002079826.4), dbSNP rs1689059146, ClinGen allele CA349409283.

ClinVar aggregate classification (germline): Uncertain significance (1 of 4 stars; one submission).

Conditions:
Dilated cardiomyopathy 1G (CMD1G). Identifiers: Orphanet 154, MedGen C1858763, MONDO:0011400, OMIM 604145.
Autosomal recessive limb-girdle muscular dystrophy type 2J (LGMDR10). Also called: Limb-girdle muscular dystrophy, type 2J; MUSCULAR DYSTROPHY, LIMB-GIRDLE, AUTOSOMAL RECESSIVE 10. Identifiers: Orphanet 140922, MedGen C1837342, MONDO:0012127, OMIM 608807.

Allele frequency attached by ClinVar (database versions not stated): gnomAD exomes below 0.00001; TOPMed below 0.00001.
gnomAD v4.1: 2 of 1,613,970 alleles (0.00012%); highest among the groups gnomAD compares: Non-Finnish European, 0.00017%; no homozygotes.

Submission:

Labcorp Genetics (formerly Invitae), Labcorp
Classification: Uncertain significance for Dilated cardiomyopathy 1G; Autosomal recessive limb-girdle muscular dystrophy type 2J. Last evaluated: 2025-10-02. Review status: criteria provided, single submitter. Criteria: Invitae Variant Classification Sherloc (09022015). Collection method: clinical testing. Allele origin: germline.
Comment: This sequence change replaces phenylalanine, which is neutral and non-polar, with serine, which is neutral and polar, at codon 35067 of the TTN protein (p.Phe35067Ser). This variant is not present in population databases (gnomAD no frequency). This variant has not been reported in the literature in individuals affected with TTN-related conditions. ClinVar contains an entry for this variant (Variation ID: 2079826). Experimental studies and prediction algorithms are not available or were not evaluated, and the functional significance of this variant is currently unknown. This variant is located in the M band of TTN (PMID: 25589632). Non-truncating variants in this region may be relevant for neuromuscular disorders, but have not been definitively shown to cause cardiomyopathy (PMID: 23975875). In summary, the available evidence is currently insufficient to determine the role of this variant in disease. Therefore, it has been classified as a Variant of Uncertain Significance.

Literature cited by the submitters: PubMed 25589632; PubMed 23975875.